The following is an entry in ClinVar:

ClinVar aggregate classification (germline): Uncertain significance (1 of 4 stars; one submission).

Conditions:
Baller-Gerold syndrome (BGS). Also called: CRANIOSYNOSTOSIS WITH RADIAL DEFECTS. Identifiers: Orphanet 1225, MedGen C0265308, MONDO:0009039, OMIM 218600.

Submission:

Labcorp Genetics (formerly Invitae), Labcorp
Classification: Uncertain significance for Baller-Gerold syndrome. Last evaluated: 2023-04-07. Review status: criteria provided, single submitter. Criteria: Invitae Variant Classification Sherloc (09022015). Collection method: clinical testing. Allele origin: germline.
Comment: This variant has not been reported in the literature in individuals affected with RECQL4-related conditions. Advanced modeling of protein sequence and biophysical properties (such as structural, functional, and spatial information, amino acid conservation, physicochemical variation, residue mobility, and thermodynamic stability) performed at Invitae indicates that this missense variant is not expected to disrupt RECQL4 protein function. In summary, the available evidence is currently insufficient to determine the role of this variant in disease. Therefore, it has been classified as a Variant of Uncertain Significance. This variant is not present in population databases (gnomAD no frequency). This sequence change replaces glutamine, which is neutral and polar, with arginine, which is basic and polar, at codon 1092 of the RECQL4 protein (p.Gln1092Arg).

NM_004260.4(RECQL4):c.3275A>G (p.Gln1092Arg)

Gene: RECQL4 (RecQ like helicase 4; minus strand). Cytogenetic location: 8q24.3.
Variant type: single nucleotide variant.
Coding change: c.3275A>G on transcript NM_004260.4 (MANE Select); coding-DNA position 3275, A replaced by G.
Protein change: p.Gln1092Arg; replaces glutamine 1092 with arginine.
Molecular consequence: missense variant. On other transcripts: non-coding transcript variant (3).
Genome position (GRCh38, 1-based): chr8:144,512,029, T>C on the plus strand (A>G on the coding strand, the complement: RECQL4 is on the minus strand). VCF-style: chr8-144512029-T-C. GRCh37 (hg19) VCF-style: chr8-145737412-T-C.
Other names: c.2981A>G, p.Gln994Arg (NM_001413017.1); c.3077A>G, p.Gln1026Arg (NM_001413018.1); c.3350A>G, p.Gln1117Arg (NM_001413019.1); c.3179A>G, p.Gln1060Arg (NM_001413020.1); c.2204A>G, p.Gln735Arg (NM_001413021.1, NM_001413022.1, NM_001413024.1 and 4 more transcripts); c.2279A>G, p.Gln760Arg (NM_001413023.1); c.3146A>G, p.Gln1049Arg (NM_001413025.1); c.2138A>G, p.Gln713Arg (NM_001413027.1, NM_001413030.1, NM_001413032.1); and 9 more; short protein forms Q1117R, Q1082R, Q691R, Q725R, Q975R, Q1026R, Q1049R, Q1060R.
Identifiers: ClinVar variation 2870235 (VCV002870235.2), dbSNP rs1827318466, ClinGen allele CA372669070.